The following is an entry in ClinVar:

NM_005477.3(HCN4):c.3470C>T (p.Ser1157Phe)

Gene: HCN4 (hyperpolarization activated cyclic nucleotide gated potassium channel 4; minus strand). Cytogenetic location: 15q24.1.
Variant type: single nucleotide variant.
Coding change: c.3470C>T on transcript NM_005477.3 (MANE Select); coding-DNA position 3470, C replaced by T.
Protein change: p.Ser1157Phe; replaces serine 1157 with phenylalanine.
Molecular consequence: missense variant.
Genome position (GRCh38, 1-based): chr15:73,322,623, G>A on the plus strand (C>T on the coding strand, the complement: HCN4 is on the minus strand). VCF-style: chr15-73322623-G-A. GRCh37 (hg19) VCF-style: chr15-73614964-G-A.
Other names: short protein forms S1157F.
Identifiers: ClinVar variation 3665917 (VCV003665917.2).

ClinVar aggregate classification (germline): Uncertain significance (1 of 4 stars; one submission).

Conditions:
Brugada syndrome 8 (BRGDA8). Identifiers: Orphanet 130, MedGen C2751083, MONDO:0013148, OMIM 613123.

Submission:

Labcorp Genetics (formerly Invitae), Labcorp
Classification: Uncertain significance for Brugada syndrome 8. Last evaluated: 2024-09-02. Review status: criteria provided, single submitter. Criteria: Invitae Variant Classification Sherloc (09022015). Collection method: clinical testing. Allele origin: germline.
Comment: This sequence change replaces serine, which is neutral and polar, with phenylalanine, which is neutral and non-polar, at codon 1157 of the HCN4 protein (p.Ser1157Phe). This variant is not present in population databases (gnomAD no frequency). This variant has not been reported in the literature in individuals affected with HCN4-related conditions. Invitae Evidence Modeling of protein sequence and biophysical properties (such as structural, functional, and spatial information, amino acid conservation, physicochemical variation, residue mobility, and thermodynamic stability) indicates that this missense variant is not expected to disrupt HCN4 protein function with a negative predictive value of 95%. In summary, the available evidence is currently insufficient to determine the role of this variant in disease. Therefore, it has been classified as a Variant of Uncertain Significance.